The following is an entry in ClinVar:

ClinVar aggregate classification (germline): Uncertain significance. Review status: criteria provided, multiple submitters, no conflicts (2 of 4 stars). 2 submissions from 2 submitters: Uncertain significance (2). Last evaluated 2025-02-10.

Conditions:
Hereditary cancer-predisposing syndrome. Also called: Hereditary Cancer Syndrome; Tumor predisposition; Hereditary neoplastic syndrome; Neoplastic Syndromes, Hereditary. Identifiers: Orphanet 140162, MedGen C0027672, MeSH D009386, MONDO:0015356.
Multiple endocrine neoplasia, type 2 (MEN2). Identifiers: Orphanet 653, MedGen C4048306, MONDO:0019003. Disease mechanism: gain of function.

Allele frequency attached by ClinVar (database versions not stated): ExAC 0.00001; gnomAD exomes 0.00001.
gnomAD v4.1: 3 of 1,612,198 alleles (0.00019%); highest among the groups gnomAD compares: Admixed American, 0.0033%; no homozygotes.

Submissions (2):

Labcorp Genetics (formerly Invitae), Labcorp
Classification: Uncertain significance for Multiple endocrine neoplasia, type 2. Last evaluated: 2025-02-10. Review status: criteria provided, single submitter. Criteria: Invitae Variant Classification Sherloc (09022015). Collection method: clinical testing. Allele origin: germline.
Comment: This sequence change replaces lysine, which is basic and polar, with glutamine, which is neutral and polar, at codon 666 of the RET protein (p.Lys666Gln). This variant is present in population databases (rs143795581, gnomAD 0.006%). This missense change has been observed in individual(s) with medullary thyroid cancer (PMID: 31510104). ClinVar contains an entry for this variant (Variation ID: 1045072). An algorithm developed to predict the effect of missense changes on protein structure and function (PolyPhen-2) suggests that this variant is likely to be disruptive. This variant disrupts the p.Lys666 amino acid residue in RET. Other variant(s) that disrupt this residue have been determined to be pathogenic (PMID: 15858153, 20103606, 21690267, 26269449, 27673361). This suggests that this residue is clinically significant, and that variants that disrupt this residue are likely to be disease-causing. In summary, the available evidence is currently insufficient to determine the role of this variant in disease. Therefore, it has been classified as a Variant of Uncertain Significance.

Ambry Genetics
Classification: Uncertain significance for Hereditary cancer-predisposing syndrome. Last evaluated: 2024-09-18. Review status: criteria provided, single submitter. Criteria: Ambry Variant Classification Scheme 2023. Collection method: clinical testing. Allele origin: germline.
Comment: The p.K666Q variant (also known as c.1996A>C), located in coding exon 11 of the RET gene, results from an A to C substitution at nucleotide position 1996. The lysine at codon 666 is replaced by glutamine, an amino acid with similar properties. Similar alterations affecting this same amino acid, p.K666N and p.K666E, have been reported in multiple MTC patients and families (Xu JY et al. Thyroid. 2016 Oct, epub; Curr&aacute;s-Freixes M et al. J. Med. Genet., 2015 Oct;52:647-56; Ahmed SA et al. J Mol Diagn 2005;7:283-8). This amino acid position is highly conserved in available vertebrate species. In addition, the in silico prediction for p.K666Q alteration is inconclusive. Since supporting evidence is limited at this time, the clinical significance of this alteration remains unclear.

Literature cited by the submitters: PubMed 31510104 (cited by Labcorp Genetics (formerly Invitae), Labcorp and Ambry Genetics); PubMed 15858153 (cited by Labcorp Genetics (formerly Invitae), Labcorp); PubMed 20103606 (cited by Labcorp Genetics (formerly Invitae), Labcorp); PubMed 21690267 (cited by Labcorp Genetics (formerly Invitae), Labcorp); PubMed 26269449 (cited by Labcorp Genetics (formerly Invitae), Labcorp); PubMed 27673361 (cited by Labcorp Genetics (formerly Invitae), Labcorp).

NM_020975.6(RET):c.1996A>C (p.Lys666Gln)

Gene: RET (ret proto-oncogene; plus strand). Cytogenetic location: 10q11.21.
Variant type: single nucleotide variant.
Coding change: c.1996A>C on transcript NM_020975.6 (MANE Select); coding-DNA position 1996, A replaced by C.
Protein change: p.Lys666Gln; replaces lysine 666 with glutamine.
Molecular consequence: missense variant.
Genome position (GRCh38, 1-based): chr10:43,114,596, A>C. VCF-style: chr10-43114596-A-C. GRCh37 (hg19) VCF-style: chr10-43610044-A-C.
Other names: c.1996A>C, p.Lys666Gln (NM_000323.2, NM_001406743.1, NM_001406744.1 and 4 more transcripts); c.1234A>C, p.Lys412Gln (NM_001355216.2); c.1867A>C, p.Lys623Gln (NM_001406761.1, NM_001406762.1, NM_001406764.1); c.1708A>C, p.Lys570Gln (NM_001406766.1, NM_001406767.1, NM_001406770.1); c.1600A>C, p.Lys534Gln (NM_001406769.1, NM_001406772.1); c.1558A>C, p.Lys520Gln (NM_001406771.1, NM_001406773.1); c.1471A>C, p.Lys491Gln (NM_001406774.1); c.1270A>C, p.Lys424Gln (NM_001406775.1, NM_001406776.1, NM_001406777.1 and 1 more transcripts); and 7 more; short protein forms K412Q, K666Q, K183Q, K324Q, K327Q, K367Q, K271Q, K336Q.
Identifiers: ClinVar variation 1045072 (VCV001045072.12), dbSNP rs143795581, ClinGen allele CA036741.